The following is an entry in ClinVar:

NM_182972.3(IRF2BP2):c.968G>A (p.Ser323Asn)

Genes: IRF2BP2 (interferon regulatory factor 2 binding protein 2; minus strand), LOC129932810 (ATAC-STARR-seq lymphoblastoid active region 2760; plus strand). Cytogenetic location: 1q42.3.
Variant type: single nucleotide variant.
Coding change: c.968G>A on transcript NM_182972.3 (MANE Select); coding-DNA position 968, G replaced by A.
Protein change: p.Ser323Asn; replaces serine 323 with asparagine.
Molecular consequence: missense variant.
Genome position (GRCh38, 1-based): chr1:234,608,527, C>T on the plus strand (G>A on the coding strand, the complement: IRF2BP2 is on the minus strand). VCF-style: chr1-234608527-C-T. GRCh37 (hg19) VCF-style: chr1-234744273-C-T.
Other names: c.968G>A, p.Ser323Asn (NM_001077397.1); short protein forms S323N.
Identifiers: ClinVar variation 1399748 (VCV001399748.9), dbSNP rs749240721, ClinGen allele CA1461711.
Genomic context (GRCh38, chr1:234,608,527, plus strand): 5'-CCGTTGGCCTCGAAACCCAACAACCTGCCTGCAGTCAGGGCCGGCTCCTTCTTAAACTTG[C>T]TCTCGAAGGGCCCCGAGTGGCCGTGCTGGTGCAGCGCCAGCAGCGTGTCGCGCACGGTCT-3'
Protein context (NP_892017.2, residues 313-333): HQHGHSGPFE[Ser323Asn]KFKKEPALTA

ClinVar aggregate classification (germline): Conflicting classifications of pathogenicity. Review status: criteria provided, conflicting classifications (1 of 4 stars). 2 submissions from 2 submitters: Uncertain significance (1); Likely benign (1). Last evaluated 2025-09-10.

Allele frequency attached by ClinVar (database versions not stated): gnomAD 0.00006 and 0.00009; TOPMed 0.00007; gnomAD exomes 0.00012; ExAC 0.00016.
gnomAD v4.1: 120 of 1,610,646 alleles (0.0075%); highest among the groups gnomAD compares: South Asian, 0.041%; no homozygotes.

Submissions (2):

Labcorp Genetics (formerly Invitae), Labcorp
Classification: Uncertain significance. Last evaluated: 2025-09-10. Review status: criteria provided, single submitter. Criteria: Invitae Variant Classification Sherloc (09022015). Collection method: clinical testing. Allele origin: germline.
Comment: This sequence change replaces serine, which is neutral and polar, with asparagine, which is neutral and polar, at codon 323 of the IRF2BP2 protein (p.Ser323Asn). This variant is present in population databases (rs749240721, gnomAD 0.05%), and has an allele count higher than expected for a pathogenic variant. This variant has not been reported in the literature in individuals affected with IRF2BP2-related conditions. ClinVar contains an entry for this variant (Variation ID: 1399748). An algorithm developed to predict the effect of missense changes on protein structure and function outputs the following: PolyPhen-2: "Possibly Damaging". The asparagine amino acid residue is found in multiple mammalian species, which suggests that this missense change does not adversely affect protein function. In summary, the available evidence is currently insufficient to determine the role of this variant in disease. Therefore, it has been classified as a Variant of Uncertain Significance.

Blueprint Genetics
Classification: Likely benign. Last evaluated: 2024-11-17. Review status: criteria provided, single submitter. Criteria: ACMG Guidelines, 2015. Collection method: clinical testing. Allele origin: germline.